The following is an entry in ClinVar:

NM_006612.6(KIF1C):c.393T>G (p.Ser131Arg)

Gene: KIF1C (kinesin family member 1C; plus strand). Cytogenetic location: 17p13.2.
Variant type: single nucleotide variant.
Coding change: c.393T>G on transcript NM_006612.6 (MANE Select); coding-DNA position 393, T replaced by G.
Protein change: p.Ser131Arg; replaces serine 131 with arginine.
Molecular consequence: missense variant.
Genome position (GRCh38, 1-based): chr17:5,002,088, T>G. VCF-style: chr17-5002088-T-G. GRCh37 (hg19) VCF-style: chr17-4905383-T-G.
Other names: short protein forms S131R.
Identifiers: ClinVar variation 4778296 (VCV004778296.1).

ClinVar aggregate classification (germline): Uncertain significance (1 of 4 stars; one submission).

Conditions:
Spastic ataxia 2. Also called: Ataxia, spastic, 2, autosomal recessive. Identifiers: Orphanet 397946, MedGen C1969796, MONDO:0012651, OMIM 611302.

Submission:

Labcorp Genetics (formerly Invitae), Labcorp
Classification: Uncertain significance for Spastic ataxia 2. Last evaluated: 2025-06-20. Review status: criteria provided, single submitter. Criteria: Invitae Variant Classification Sherloc (09022015). Collection method: clinical testing. Allele origin: germline.
Comment: This sequence change replaces serine, which is neutral and polar, with arginine, which is basic and polar, at codon 131 of the KIF1C protein (p.Ser131Arg). This variant is not present in population databases (gnomAD no frequency). This variant has not been reported in the literature in individuals affected with KIF1C-related conditions. Invitae Evidence Modeling of protein sequence and biophysical properties (such as structural, functional, and spatial information, amino acid conservation, physicochemical variation, residue mobility, and thermodynamic stability) indicates that this missense variant is not expected to disrupt KIF1C protein function with a negative predictive value of 80%. In summary, the available evidence is currently insufficient to determine the role of this variant in disease. Therefore, it has been classified as a Variant of Uncertain Significance.